The following is an entry in ClinVar:

NM_019892.6(INPP5E):c.890G>A (p.Arg297Gln)

Gene: INPP5E (inositol polyphosphate-5-phosphatase E; minus strand). Cytogenetic location: 9q34.3.
Variant type: single nucleotide variant.
Coding change: c.890G>A on transcript NM_019892.6 (MANE Select); coding-DNA position 890, G replaced by A.
Protein change: p.Arg297Gln; replaces arginine 297 with glutamine.
Molecular consequence: missense variant.
Genome position (GRCh38, 1-based): chr9:136,434,786, C>T on the plus strand (G>A on the coding strand, the complement: INPP5E is on the minus strand). VCF-style: chr9-136434786-C-T. GRCh37 (hg19) VCF-style: chr9-139329238-C-T.
Other names: c.890G>A, p.Arg297Gln (NM_001318502.2); c.890G>A (NM_019892.4, NM_019892.5); short protein forms R297Q.
Identifiers: ClinVar variation 2062520 (VCV002062520.6), dbSNP rs1047244794, ClinGen allele CA201644776.

ClinVar aggregate classification (germline): Uncertain significance. Review status: criteria provided, multiple submitters, no conflicts (2 of 4 stars). 3 submissions from 3 submitters: Uncertain significance (3). Last evaluated 2025-11-12.

Conditions:
Inborn genetic diseases. Identifiers: MedGen C0950123, MeSH D030342.
Joubert syndrome. Also called: Familial aplasia of the vermis; JOUBERT-BOLTSHAUSER SYNDROME. Identifiers: Orphanet 475, MedGen C5979921, MONDO:0018772.
INPP5E-related disorder. Also called: INPP5E-related condition.

Allele frequency attached by ClinVar (database versions not stated): gnomAD exomes 0.00001; TOPMed 0.00001; gnomAD 0.00002.
gnomAD v4.1: 16 of 1,611,952 alleles (0.00099%); highest among the groups gnomAD compares: East Asian, 0.013%; no homozygotes.

Submissions (3):

PreventionGenetics, part of Exact Sciences
Classification: Uncertain significance for INPP5E-related condition. Last evaluated: 2025-11-12. Review status: criteria provided, single submitter. Criteria: ACMG Guidelines, 2015. Collection method: clinical testing. Allele origin: germline.
Comment: The INPP5E c.890G>A variant is predicted to result in the amino acid substitution p.Arg297Gln. To our knowledge, this variant has not been reported in the literature. This variant is reported in 0.00090% of alleles in individuals of European (Non-Finnish) descent in gnomAD. At this time, the clinical significance of this variant is uncertain due to the absence of conclusive functional and genetic evidence.

Ambry Genetics
Classification: Uncertain significance for Inborn genetic diseases. Last evaluated: 2025-08-27. Review status: criteria provided, single submitter. Criteria: Ambry Variant Classification Scheme 2023. Collection method: clinical testing. Allele origin: germline.

Labcorp Genetics (formerly Invitae), Labcorp
Classification: Uncertain significance for Joubert syndrome. Last evaluated: 2023-06-29. Review status: criteria provided, single submitter. Criteria: Invitae Variant Classification Sherloc (09022015). Collection method: clinical testing. Allele origin: germline.
Comment: In summary, the available evidence is currently insufficient to determine the role of this variant in disease. Therefore, it has been classified as a Variant of Uncertain Significance. Advanced modeling of protein sequence and biophysical properties (such as structural, functional, and spatial information, amino acid conservation, physicochemical variation, residue mobility, and thermodynamic stability) performed at Invitae indicates that this missense variant is expected to disrupt INPP5E protein function. ClinVar contains an entry for this variant (Variation ID: 2062520). This variant has not been reported in the literature in individuals affected with INPP5E-related conditions. The frequency data for this variant in the population databases is considered unreliable, as metrics indicate poor data quality at this position in the gnomAD database. This sequence change replaces arginine, which is basic and polar, with glutamine, which is neutral and polar, at codon 297 of the INPP5E protein (p.Arg297Gln).